The following is an entry in ClinVar:

ClinVar aggregate classification (germline): Conflicting classifications of pathogenicity. Review status: criteria provided, conflicting classifications (1 of 4 stars). 2 submissions from 2 submitters: Uncertain significance (1); Likely benign (1). Last evaluated 2025-12-24.

Conditions:
Inborn genetic diseases. Identifiers: MedGen C0950123, MeSH D030342.

gnomAD v4.1: 21 of 1,591,546 alleles (0.0013%); highest among the groups gnomAD compares: South Asian, 0.0069%; no homozygotes.

Submissions (2):

Labcorp Genetics (formerly Invitae), Labcorp
Classification: Uncertain significance. Last evaluated: 2025-12-24. Review status: criteria provided, single submitter. Criteria: Invitae Variant Classification Sherloc (09022015). Collection method: clinical testing. Allele origin: germline.
Comment: This sequence change replaces glutamic acid, which is acidic and polar, with lysine, which is basic and polar, at codon 134 of the DVL1 protein (p.Glu134Lys). The frequency data for this variant in the population databases is considered unreliable, as metrics indicate poor data quality at this position in the gnomAD database. This variant has not been reported in the literature in individuals affected with DVL1-related conditions. Invitae Evidence Modeling of protein sequence and biophysical properties (such as structural, functional, and spatial information, amino acid conservation, physicochemical variation, residue mobility, and thermodynamic stability) indicates that this missense variant is not expected to disrupt DVL1 protein function with a negative predictive value of 80%. In summary, the available evidence is currently insufficient to determine the role of this variant in disease. Therefore, it has been classified as a Variant of Uncertain Significance.

Ambry Genetics
Classification: Likely benign for Inborn genetic diseases. Last evaluated: 2025-12-10. Review status: criteria provided, single submitter. Criteria: Ambry Variant Classification Scheme 2023. Collection method: clinical testing. Allele origin: germline.

NM_001330311.2(DVL1):c.400G>A (p.Glu134Lys)

Gene: DVL1 (dishevelled segment polarity protein 1; minus strand). Cytogenetic location: 1p36.33.
Variant type: single nucleotide variant.
Coding change: c.400G>A on transcript NM_001330311.2 (MANE Select); coding-DNA position 400, G replaced by A.
Protein change: p.Glu134Lys; replaces glutamic acid 134 with lysine.
Molecular consequence: missense variant.
Genome position (GRCh38, 1-based): chr1:1,342,119, C>T on the plus strand (G>A on the coding strand, the complement: DVL1 is on the minus strand). VCF-style: chr1-1342119-C-T. GRCh37 (hg19) VCF-style: chr1-1277499-C-T.
Other names: c.400G>A, p.Glu134Lys (NM_004421.3); short protein forms E134K.
Identifiers: ClinVar variation 4618084 (VCV004618084.2).